The following is an entry in ClinVar:

ClinVar aggregate classification (germline): Benign (0 of 4 stars; one submission).

Conditions:
DHX34-related disorder. Also called: DHX34-related condition.

Allele frequency attached by ClinVar (database versions not stated): ESP Exome Variant Server 0.00669; 1000 Genomes Project 30x 0.00718; 1000 Genomes Project 0.00759.

Submission:

PreventionGenetics, part of Exact Sciences
Classification: Benign for DHX34-related condition. Last evaluated: 2019-11-16. Review status: no assertion criteria provided. Collection method: clinical testing. Allele origin: germline.
Comment: This variant is classified as benign based on ACMG/AMP sequence variant interpretation guidelines (Richards et al. 2015 PMID: 25741868, with internal and published modifications).

NM_014681.6(DHX34):c.1122G>A (p.Pro374=)

Gene: DHX34 (DExH-box helicase 34; plus strand). Cytogenetic location: 19q13.32.
Variant type: single nucleotide variant.
Coding change: c.1122G>A on transcript NM_014681.6 (MANE Select); coding-DNA position 1122, G replaced by A.
Protein change: p.Pro374=; no amino-acid change (proline 374 retained).
Molecular consequence: synonymous variant.
Genome position (GRCh38, 1-based): chr19:47,357,970, G>A. VCF-style: chr19-47357970-G-A. GRCh37 (hg19) VCF-style: chr19-47861227-G-A.
Identifiers: ClinVar variation 3039476 (VCV003039476.2), dbSNP rs115851317, ClinGen allele CA9537951.